The following is an entry in ClinVar:

NM_001267550.2(TTN):c.6713C>T (p.Thr2238Met)

Gene: TTN (titin; minus strand). Cytogenetic location: 2q31.2.
Variant type: single nucleotide variant.
Coding change: c.6713C>T on transcript NM_001267550.2 (MANE Select); coding-DNA position 6713, C replaced by T.
Protein change: p.Thr2238Met; replaces threonine 2238 with methionine.
Molecular consequence: missense variant.
Genome position (GRCh38, 1-based): chr2:178,774,998, G>A on the plus strand (C>T on the coding strand, the complement: TTN is on the minus strand). VCF-style: chr2-178774998-G-A. GRCh37 (hg19) VCF-style: chr2-179639725-G-A.
Other names: p.T2238M:ACG>ATG; c.6713C>T, p.Thr2238Met (NM_001256850.1, NM_133378.4, NM_133379.5); c.6575C>T, p.Thr2192Met (NM_003319.4, NM_133432.3, NM_133437.4); short protein forms T2238M, T2192M.
Identifiers: ClinVar variation 47330 (VCV000047330.35), dbSNP rs201284459, ClinGen allele CA140701.

ClinVar aggregate classification (germline): Conflicting classifications of pathogenicity. Review status: criteria provided, conflicting classifications (1 of 4 stars). 20 submissions from 16 submitters: Uncertain significance (8); Likely benign (10). 2 of the submissions do not count toward it. Last evaluated 2025-08-01.

Conditions:
Dilated cardiomyopathy 1G (CMD1G). Identifiers: Orphanet 154, MedGen C1858763, MONDO:0011400, OMIM 604145.
Autosomal recessive limb-girdle muscular dystrophy type 2J (LGMDR10). Also called: Limb-girdle muscular dystrophy, type 2J; MUSCULAR DYSTROPHY, LIMB-GIRDLE, AUTOSOMAL RECESSIVE 10. Identifiers: Orphanet 140922, MedGen C1837342, MONDO:0012127, OMIM 608807.
Cardiovascular phenotype. Identifiers: MedGen CN230736.
Cardiomyopathy (CMYO). Also called: Cardiomyopathies. Identifiers: Orphanet 167848, MedGen C0878544, MONDO:0004994, HP:0001638. Inheritance: Various modes of inheritance.
Early-onset myopathy with fatal cardiomyopathy (CMYO5). Also called: Salih Myopathy; CONGENITAL MYOPATHY 5 WITH CARDIOMYOPATHY. Identifiers: Orphanet 289377, MedGen C2673677, MONDO:0012714, OMIM 611705. Disease mechanism: loss of function.
Myopathy, myofibrillar, 9, with early respiratory failure (MFM9). Also called: Hereditary myopathy with early respiratory failure; Myopathy, distal, with early respiratory failure, autosomal dominant; EDSTROM MYOPATHY; MYOPATHY, PROXIMAL, WITH EARLY RESPIRATORY MUSCLE INVOLVEMENT. Identifiers: Orphanet 178464, Orphanet 34521, MedGen C1863599, MONDO:0011362, OMIM 603689.
Tibial muscular dystrophy (TMD). Also called: Udd Distal Myopathy – Tibial Muscular Dystrophy; Tibial muscular dystrophy, tardive; UDD MYOPATHY. Identifiers: Orphanet 609, MedGen C1838244, MONDO:0010870, OMIM 600334.
Ventricular tachycardia. Identifiers: MedGen C0042514, MONDO:0005477, HP:0004756.

Allele frequency attached by ClinVar (database versions not stated): TOPMed 0.00005; gnomAD 0.00006.
gnomAD v4.1: 190 of 1,613,826 alleles (0.012%); highest among the groups gnomAD compares: Middle Eastern, 0.16%; no homozygotes.

Submissions (20):

CeGaT Center for Human Genetics Tuebingen
Classification: Uncertain significance. Last evaluated: 2025-08-01. Review status: criteria provided, single submitter. Criteria: CeGaT Center For Human Genetics Tuebingen Variant Classification Criteria Version 2. Collection method: clinical testing. Allele origin: germline. Affected: yes. Observed: 1 variant allele.
Comment: TTN: PM2, BP4

Molecular Diagnostic Laboratory for Inherited Cardiovascular Disease, Montreal Heart Institute
Classification: Likely benign. Last evaluated: 2025-04-09. Review status: criteria provided, single submitter. Criteria: ACMG Guidelines, 2015. Collection method: clinical testing. Allele origin: germline. Affected: no.

Blueprint Genetics
Classification: Likely benign. Last evaluated: 2024-11-08. Review status: criteria provided, single submitter. Criteria: ACMG Guidelines, 2015. Collection method: clinical testing. Allele origin: germline.

Revvity Omics, Revvity
Classification: Uncertain significance. Last evaluated: 2024-08-06. Review status: criteria provided, single submitter. Criteria: ACMG Guidelines, 2015. Collection method: clinical testing. Allele origin: germline.

Women's Health and Genetics/Laboratory Corporation of America, LabCorp
Classification: Likely benign. Last evaluated: 2022-04-25. Review status: criteria provided, single submitter. Criteria: LabCorp Variant Classification Summary - May 2015. Collection method: clinical testing. Allele origin: germline.
Comment: Variant summary: TTN c.6713C>T (p.Thr2238Met) results in a non-conservative amino acid change located in the I-band of the encoded protein sequence. Four of five in-silico tools predict a benign effect of the variant on protein function. The variant allele was found at a frequency of 0.00017 in 251092 control chromosomes. This frequency is not significantly higher than expected for a pathogenic variant in TTN causing Dilated Cardiomyopathy (0.00017 vs 0.00039), allowing no conclusion about variant significance. To our knowledge, no occurrence of c.6713C>T in individuals affected with Dilated Cardiomyopathy and no experimental evidence demonstrating its impact on protein function have been reported. Six clinical diagnostic laboratories have submitted clinical-significance assessments for this variant to ClinVar after 2014 without evidence for independent evaluation. Multiple laboratories reported the variant with conflicting assessments (likely benign n=4, VUS n=2). Based on the evidence outlined above, the variant was classified as likely benign.

CHEO Genetics Diagnostic Laboratory, Children's Hospital of Eastern Ontario
Classification: Likely benign for Cardiomyopathy. Last evaluated: 2020-01-06. Review status: criteria provided, single submitter. Criteria: ACMG Guidelines, 2015. Collection method: clinical testing. Allele origin: germline.

Ambry Genetics
Classification: Likely benign for Cardiovascular phenotype. Last evaluated: 2019-08-10. Review status: criteria provided, single submitter. Criteria: Ambry Variant Classification Scheme 2023. Collection method: clinical testing. Allele origin: germline.

Center for Advanced Laboratory Medicine, UC San Diego Health, University of California San Diego
Classification: Likely benign for Ventricular tachycardia. Last evaluated: 2019-03-04. Review status: criteria provided, single submitter. Criteria: ACMG Guidelines, 2015. Collection method: clinical testing. Allele origin: germline. Affected: yes. Observed: 2 variant alleles.

Illumina Laboratory Services, Illumina
Classification: Likely benign for Myopathy, myofibrillar, 9, with early respiratory failure. Last evaluated: 2018-01-13. Review status: criteria provided, single submitter. Criteria: ICSL Variant Classification Criteria 13 December 2019. Collection method: clinical testing. Allele origin: germline.
Comment: This variant was observed in the ICSL laboratory as part of a predisposition screen in an ostensibly healthy population. It had not been previously curated by ICSL or reported in the Human Gene Mutation Database (HGMD: prior to June 1st, 2018), and was therefore a candidate for classification through an automated scoring system. Utilizing variant allele frequency, disease prevalence and penetrance estimates, and inheritance mode, an automated score was calculated to assess if this variant is too frequent to cause the disease. Based on the score and internal cut-off values, a variant classified as likely benign is not then subjected to further curation. The score for this variant resulted in a classification of likely benign for this disease.

Illumina Laboratory Services, Illumina
Classification: Uncertain significance for Early-onset myopathy with fatal cardiomyopathy. Last evaluated: 2018-01-13. Review status: criteria provided, single submitter. Criteria: ICSL Variant Classification Criteria 13 December 2019. Collection method: clinical testing. Allele origin: germline.

Illumina Laboratory Services, Illumina
Classification: Uncertain significance for Autosomal recessive limb-girdle muscular dystrophy type 2J. Last evaluated: 2018-01-13. Review status: criteria provided, single submitter. Criteria: ICSL Variant Classification Criteria 13 December 2019. Collection method: clinical testing. Allele origin: germline.

Illumina Laboratory Services, Illumina
Classification: Uncertain significance for Dilated cardiomyopathy 1G. Last evaluated: 2018-01-13. Review status: criteria provided, single submitter. Criteria: ICSL Variant Classification Criteria 13 December 2019. Collection method: clinical testing. Allele origin: germline.

Illumina Laboratory Services, Illumina
Classification: Likely benign for Tibial muscular dystrophy. Last evaluated: 2018-01-13. Review status: criteria provided, single submitter. Criteria: ICSL Variant Classification Criteria 13 December 2019. Collection method: clinical testing. Allele origin: germline.
Comment: the same text as in the submission from Illumina Laboratory Services, Illumina above.

GeneDx
Classification: Likely benign. Last evaluated: 2017-10-23. Review status: criteria provided, single submitter. Criteria: GeneDx Variant Classification (06012015). Collection method: clinical testing. Allele origin: germline. Affected: yes.
Comment: This variant is considered likely benign or benign based on one or more of the following criteria: it is a conservative change, it occurs at a poorly conserved position in the protein, it is predicted to be benign by multiple in silico algorithms, and/or has population frequency not consistent with disease.

Labcorp Genetics (formerly Invitae), Labcorp
Classification: Uncertain significance for Dilated cardiomyopathy 1G; Autosomal recessive limb-girdle muscular dystrophy type 2J. Last evaluated: 2017-08-29. Review status: criteria provided, single submitter. Criteria: Invitae Variant Classification Sherloc (09022015). Collection method: clinical testing. Allele origin: germline.

Eurofins Ntd Llc (ga)
Classification: Uncertain significance. Last evaluated: 2014-12-20. Review status: criteria provided, single submitter. Criteria: EGL Classification Definitions 2015. Collection method: clinical testing. Allele origin: germline. Observed: 1 variant allele, 1 heterozygote.

Biesecker Lab/Clinical Genomics Section, National Institutes of Health
Classification: Uncertain significance. Last evaluated: 2013-06-24. Review status: criteria provided, single submitter. Criteria: Ng et al. (Circ Cardiovasc Genet. 2013). Collection method: research. Allele origin: unknown. Observed: 1 variant allele. Study: ClinSeq.
Comment: The study set was not selected for affection status in relation to any cancer. Pathogenicity categories were based on literature curation. See Pubmed ID:23861362 for details.

Medical sequencing

Laboratory for Molecular Medicine, Mass General Brigham Personalized Medicine
Classification: Likely benign. Last evaluated: 2012-02-16. Review status: criteria provided, single submitter. Criteria: LMM Criteria. Collection method: clinical testing. Allele origin: germline. Observed: 1 variant allele.
Comment: Thr2238Met in exon 29 of TTN: This variant is not expected to have clinical sign ificance due to a lack of conservation across species, including mammals. Of not e, several mammals and more distantly related species have a methionine (Met; th is variant) at this position despite high nearby amino acid conservation. In add ition, computational analyses (biochemical amino acid properties, AlignGVGD, and SIFT) do not suggest a high likelihood of impact to the protein.

Joint Genome Diagnostic Labs from Nijmegen and Maastricht, Radboudumc and MUMC+
Classification: Likely benign. Review status: no assertion criteria provided. Collection method: clinical testing. Allele origin: germline. Affected: yes. Study: VKGL Data-share Consensus. Not counted in ClinVar's aggregate classification.

Laboratory of Diagnostic Genome Analysis, Leiden University Medical Center (LUMC)
Classification: Likely benign. Review status: no assertion criteria provided. Collection method: clinical testing. Allele origin: germline. Affected: yes. Study: VKGL Data-share Consensus. Not counted in ClinVar's aggregate classification.

Literature cited by the submitters: PubMed 23861362 (cited by Ambry Genetics).